The following is an entry in ClinVar:

NM_001303256.3(MORC2):c.2852T>G (p.Phe951Cys)

Gene: MORC2 (MORC family CW-type zinc finger 2; minus strand). Cytogenetic location: 22q12.2.
Variant type: single nucleotide variant.
Coding change: c.2852T>G on transcript NM_001303256.3 (MANE Select); coding-DNA position 2852, T replaced by G.
Protein change: p.Phe951Cys; replaces phenylalanine 951 with cysteine.
Molecular consequence: missense variant.
Genome position (GRCh38, 1-based): chr22:30,928,197, A>C on the plus strand (T>G on the coding strand, the complement: MORC2 is on the minus strand). VCF-style: chr22-30928197-A-C. GRCh37 (hg19) VCF-style: chr22-31324184-A-C.
Other names: c.2852T>G, p.Phe951Cys (NM_001303257.2); c.2666T>G, p.Phe889Cys (NM_014941.3); short protein forms F889C, F951C.
Identifiers: ClinVar variation 2908486 (VCV002908486.3), dbSNP rs2517557345, ClinGen allele CA411230004.

ClinVar aggregate classification (germline): Uncertain significance (1 of 4 stars; one submission).

Conditions:
Charcot-Marie-Tooth disease axonal type 2Z. Also called: CHARCOT-MARIE-TOOTH DISEASE, AXONAL, AUTOSOMAL DOMINANT, TYPE 2Z; CHARCOT-MARIE-TOOTH NEUROPATHY, TYPE 2Z. Identifiers: Orphanet 466768, MedGen C5569025, MONDO:0014736, OMIM 616688.

Submission:

Labcorp Genetics (formerly Invitae), Labcorp
Classification: Uncertain significance for Charcot-Marie-Tooth disease axonal type 2Z. Last evaluated: 2023-09-05. Review status: criteria provided, single submitter. Criteria: Invitae Variant Classification Sherloc (09022015). Collection method: clinical testing. Allele origin: germline.
Comment: This sequence change replaces phenylalanine, which is neutral and non-polar, with cysteine, which is neutral and slightly polar, at codon 951 of the MORC2 protein (p.Phe951Cys). This variant is not present in population databases (gnomAD no frequency). This variant has not been reported in the literature in individuals affected with MORC2-related conditions. Advanced modeling of protein sequence and biophysical properties (such as structural, functional, and spatial information, amino acid conservation, physicochemical variation, residue mobility, and thermodynamic stability) has been performed at Invitae for this missense variant, however the output from this modeling did not meet the statistical confidence thresholds required to predict the impact of this variant on MORC2 protein function. In summary, the available evidence is currently insufficient to determine the role of this variant in disease. Therefore, it has been classified as a Variant of Uncertain Significance.